The following is an entry in ClinVar:

NM_021098.3(CACNA1H):c.6088A>G (p.Ser2030Gly)

Gene: CACNA1H (calcium voltage-gated channel subunit alpha1 H; plus strand). Cytogenetic location: 16p13.3.
Variant type: single nucleotide variant.
Coding change: c.6088A>G on transcript NM_021098.3 (MANE Select); coding-DNA position 6088, A replaced by G.
Protein change: p.Ser2030Gly; replaces serine 2030 with glycine.
Molecular consequence: missense variant.
Genome position (GRCh38, 1-based): chr16:1,220,020, A>G. VCF-style: chr16-1220020-A-G. GRCh37 (hg19) VCF-style: chr16-1270020-A-G.
Other names: c.6070A>G, p.Ser2024Gly (NM_001005407.2); short protein forms S2024G, S2030G.
Identifiers: ClinVar variation 938048 (VCV000938048.10), dbSNP rs748236037, ClinGen allele CA7802234.

ClinVar aggregate classification (germline): Conflicting classifications of pathogenicity. Review status: criteria provided, conflicting classifications (1 of 4 stars). 2 submissions from 2 submitters: Uncertain significance (1); Likely benign (1). Last evaluated 2025-10-19.

Conditions:
Inborn genetic diseases. Identifiers: MedGen C0950123, MeSH D030342.
Idiopathic generalized epilepsy. Also called: Generalised epilepsy; EIG. Identifiers: MedGen C0270850, MONDO:0005579, OMIM 600669.
Hyperaldosteronism, familial, type IV (HALD4). Also called: FH IV; ALDOSTERONISM, PRIMARY, AND HYPERTENSION. Identifiers: Orphanet 642671, MedGen C4310756, MONDO:0014875, OMIM 617027.

Allele frequency attached by ClinVar (database versions not stated): ExAC below 0.00001; gnomAD exomes 0.00001; TOPMed 0.00002.
gnomAD v4.1: 2 of 1,358,024 alleles (0.00015%); highest among the groups gnomAD compares: Admixed American, 0.0066%; no homozygotes.

Submissions (2):

Labcorp Genetics (formerly Invitae), Labcorp
Classification: Uncertain significance for Idiopathic generalized epilepsy; Hyperaldosteronism, familial, type IV. Last evaluated: 2025-10-19. Review status: criteria provided, single submitter. Criteria: Invitae Variant Classification Sherloc (09022015). Collection method: clinical testing. Allele origin: germline.
Comment: This sequence change replaces serine, which is neutral and polar, with glycine, which is neutral and non-polar, at codon 2030 of the CACNA1H protein (p.Ser2030Gly). This variant is not present in population databases (gnomAD no frequency). This variant has not been reported in the literature in individuals affected with CACNA1H-related conditions. ClinVar contains an entry for this variant (Variation ID: 938048). Invitae Evidence Modeling of protein sequence and biophysical properties (such as structural, functional, and spatial information, amino acid conservation, physicochemical variation, residue mobility, and thermodynamic stability) indicates that this missense variant is not expected to disrupt CACNA1H protein function with a negative predictive value of 80%. In summary, the available evidence is currently insufficient to determine the role of this variant in disease. Therefore, it has been classified as a Variant of Uncertain Significance.

Ambry Genetics
Classification: Likely benign for Inborn genetic diseases. Last evaluated: 2024-12-03. Review status: criteria provided, single submitter. Criteria: Ambry Variant Classification Scheme 2023. Collection method: clinical testing. Allele origin: germline.